The following is an entry in ClinVar:

NM_006231.4(POLE):c.3904C>T (p.Leu1302Phe)

Gene: POLE (DNA polymerase epsilon, catalytic subunit; minus strand). Cytogenetic location: 12q24.33.
Variant type: single nucleotide variant.
Coding change: c.3904C>T on transcript NM_006231.4 (MANE Select); coding-DNA position 3904, C replaced by T.
Protein change: p.Leu1302Phe; replaces leucine 1302 with phenylalanine.
Molecular consequence: missense variant.
Genome position (GRCh38, 1-based): chr12:132,649,407, G>A on the plus strand (C>T on the coding strand, the complement: POLE is on the minus strand). VCF-style: chr12-132649407-G-A. GRCh37 (hg19) VCF-style: chr12-133225993-G-A.
Other names: short protein forms L1302F.
Identifiers: ClinVar variation 473632 (VCV000473632.11), dbSNP rs1555223949, ClinGen allele CA387385180.

ClinVar aggregate classification (germline): Conflicting classifications of pathogenicity. Review status: criteria provided, conflicting classifications (1 of 4 stars). 2 submissions from 2 submitters: Uncertain significance (1); Likely benign (1). Last evaluated 2018-04-01.

Conditions:
Colorectal cancer, susceptibility to, 12 (CRCS12). Also called: COLORECTAL CANCER, SUSCEPTIBILITY TO, ON CHROMOSOME 12q24. Identifiers: Orphanet 220460, MedGen C3554460, MONDO:0014038, OMIM 615083.

Submissions (2):

University of Washington Department of Laboratory Medicine, University of Washington
Classification: Likely benign for Colorectal cancer, susceptibility to, 12. Last evaluated: 2018-04-01. Review status: criteria provided, single submitter. Criteria: Tsai GJ et al. (Genet Med 2018). Collection method: research. Allele origin: germline. Inheritance: Autosomal dominant inheritance. Affected: yes.
Comment: The POLE variant designated as NM_006231.3:c.3904C>T (p.Leu1302Phe) is classified as likely benign. This variant has not been reported in ExAC. This variant is weakly conserved and it is not located in the exonuclease domain in which pathogenic mutations have been reported (Bellido et al, 2016). Bayesian analysis integrating all of this data (Tavtigian et al, 2018, PMID:29300386) gives about 3% probability of pathogenicity, which is consistent with a classification of likely benign. This variant is not predicted to alter POLE function or modify cancer risk. A modest (less than 2 fold) increase in cancer risk due to this variant cannot be entirely excluded. This analysis was performed in conjunction with the family studies project as part of the University of Washington Find My Variant Study.

Labcorp Genetics (formerly Invitae), Labcorp
Classification: Uncertain significance. Last evaluated: 2017-03-26. Review status: criteria provided, single submitter. Criteria: Invitae Variant Classification Sherloc (09022015). Collection method: clinical testing. Allele origin: germline.
Comment: This variant is not present in population databases (ExAC no frequency) and has not been reported in the literature in individuals with a POLE-related disease. Algorithms developed to predict the effect of missense changes on protein structure and function do not agree on the potential impact of this missense change (SIFT: "Deleterious"; PolyPhen-2: "Benign"; Align-GVGD: "Class C0"). In summary, this variant is a novel missense change with uncertain impact on protein function. It has been classified as a Variant of Uncertain Significance. This sequence change replaces leucine with phenylalanine at codon 1302 of the POLE protein (p.Leu1302Phe). The leucine residue is weakly conserved and there is a small physicochemical difference between leucine and phenylalanine.